The following is an entry in ClinVar:

ClinVar aggregate classification (germline): Conflicting classifications of pathogenicity. Review status: criteria provided, conflicting classifications (1 of 4 stars). 3 submissions from 3 submitters: Likely pathogenic (1); Uncertain significance (2). Last evaluated 2025-05-27.

Conditions:
Retinitis pigmentosa 44 (RP44). Identifiers: Orphanet 791, MedGen C3151068, MONDO:0013414, OMIM 613769.

Allele frequency attached by ClinVar (database versions not stated): gnomAD 0.00003; TOPMed 0.00003.
gnomAD v4.1: 64 of 1,613,980 alleles (0.004%); highest among the groups gnomAD compares: Admixed American, 0.01%; no homozygotes.

Submissions (3):

Labcorp Genetics (formerly Invitae), Labcorp
Classification: Uncertain significance. Last evaluated: 2025-05-27. Review status: criteria provided, single submitter. Criteria: Invitae Variant Classification Sherloc (09022015). Collection method: clinical testing. Allele origin: germline.
Comment: This sequence change affects codon 79 of the RGR mRNA. It is a 'silent' change, meaning that it does not change the encoded amino acid sequence of the RGR protein. This variant also falls at the last nucleotide of exon 2, which is part of the consensus splice site for this exon. This variant is present in population databases (rs761554381, gnomAD 0.01%). This variant has been observed in individual(s) with cone dystrophy and/or inherited retinal disease (PMID: 27748892, 33546218). This variant is also known as p.Arg79His. ClinVar contains an entry for this variant (Variation ID: 841667). Experimental studies and prediction algorithms are not available or were not evaluated, and the functional significance of this variant is currently unknown. Variants that disrupt the consensus splice site are a relatively common cause of aberrant splicing (PMID: 17576681, 9536098). Algorithms developed to predict the effect of sequence changes on RNA splicing suggest that this variant may disrupt the consensus splice site. In summary, the available evidence is currently insufficient to determine the role of this variant in disease. Therefore, it has been classified as a Variant of Uncertain Significance.

Blueprint Genetics
Classification: Uncertain significance. Last evaluated: 2024-10-22. Review status: criteria provided, single submitter. Criteria: ACMG Guidelines, 2015. Collection method: clinical testing. Allele origin: germline.

Institute of Medical Molecular Genetics, University of Zurich
Classification: Likely pathogenic for Retinitis pigmentosa 44. Last evaluated: 2021-01-30. Review status: criteria provided, single submitter. Criteria: ACMG Guidelines, 2015. Collection method: clinical testing. Allele origin: unknown. Affected: yes.

Literature cited by the submitters: PubMed 27748892 (cited by Labcorp Genetics (formerly Invitae), Labcorp); PubMed 33546218 (cited by Labcorp Genetics (formerly Invitae), Labcorp); PubMed 17576681 (cited by Labcorp Genetics (formerly Invitae), Labcorp); PubMed 9536098 (cited by Labcorp Genetics (formerly Invitae), Labcorp).

NM_001012720.2(RGR):c.236G>A (p.Arg79Gln)

Gene: RGR (retinal G protein coupled receptor; plus strand). Cytogenetic location: 10q23.1.
Variant type: single nucleotide variant.
Coding change: c.236G>A on transcript NM_001012720.2 (MANE Select); coding-DNA position 236, G replaced by A.
Protein change: p.Arg79Gln; replaces arginine 79 with glutamine.
Molecular consequence: missense variant.
Genome position (GRCh38, 1-based): chr10:84,247,747, G>A. VCF-style: chr10-84247747-G-A. GRCh37 (hg19) VCF-style: chr10-86007503-G-A.
Other names: c.236G>A, p.Arg79Gln (NM_001012722.2); c.236G>A, p.Arg79His (NM_002921.4); short protein forms R79H, R79Q.
Identifiers: ClinVar variation 841667 (VCV000841667.9), dbSNP rs761554381, ClinGen allele CA5581335.